The following is an entry in ClinVar:

NM_173660.5(DOK7):c.1412C>T (p.Pro471Leu)

Gene: DOK7 (docking protein 7; plus strand). Cytogenetic location: 4p16.3.
Variant type: single nucleotide variant.
Coding change: c.1412C>T on transcript NM_173660.5 (MANE Select); coding-DNA position 1412, C replaced by T.
Protein change: p.Pro471Leu; replaces proline 471 with leucine.
Molecular consequence: missense variant. On other transcripts: 3 prime UTR variant (1).
Genome position (GRCh38, 1-based): chr4:3,493,398, C>T. VCF-style: chr4-3493398-C-T. GRCh37 (hg19) VCF-style: chr4-3495125-C-T.
Other names: c.*633C>T (NM_001164673.2); c.482C>T, p.Pro161Leu (NM_001256896.2); c.1412C>T, p.Pro471Leu (NM_001301071.2); c.980C>T, p.Pro327Leu (NM_001363811.2); short protein forms P327L, P161L, P471L.
Identifiers: ClinVar variation 1044834 (VCV001044834.11), dbSNP rs535473251, ClinGen allele CA2829510.

ClinVar aggregate classification (germline): Uncertain significance. Review status: criteria provided, multiple submitters, no conflicts (2 of 4 stars). 4 submissions from 4 submitters: Uncertain significance (4). Last evaluated 2025-10-02.

Conditions:
Inborn genetic diseases. Identifiers: MedGen C0950123, MeSH D030342.
Congenital myasthenic syndrome 10. Also called: Myasthenia, limb-girdle, familial. Identifiers: Orphanet 590, MedGen C1850792, MONDO:0009690, OMIM 254300.
Fetal akinesia deformation sequence 1 (FADS1). Also called: Pena-Shokeir syndrome type I; Fetal akinesia sequence. Identifiers: Orphanet 994, MedGen C1276035, MONDO:0100101, OMIM 208150, HP:0001989.

Allele frequency attached by ClinVar (database versions not stated): gnomAD 0.00001 and 0.00002; gnomAD exomes 0.00001; ExAC 0.00002; TOPMed 0.00002; 1000 Genomes Project 30x 0.00016; 1000 Genomes Project 0.00020.
gnomAD v4.1: 16 of 1,594,860 alleles (0.001%); highest among the groups gnomAD compares: Middle Eastern, 0.017%; no homozygotes.

Submissions (4):

Labcorp Genetics (formerly Invitae), Labcorp
Classification: Uncertain significance for Congenital myasthenic syndrome 10; Fetal akinesia deformation sequence 1. Last evaluated: 2025-10-02. Review status: criteria provided, single submitter. Criteria: Invitae Variant Classification Sherloc (09022015). Collection method: clinical testing. Allele origin: germline.
Comment: This sequence change replaces proline, which is neutral and non-polar, with leucine, which is neutral and non-polar, at codon 471 of the DOK7 protein (p.Pro471Leu). This variant is present in population databases (rs535473251, gnomAD 0.009%). This variant has not been reported in the literature in individuals affected with DOK7-related conditions. ClinVar contains an entry for this variant (Variation ID: 1044834). Invitae Evidence Modeling of protein sequence and biophysical properties (such as structural, functional, and spatial information, amino acid conservation, physicochemical variation, residue mobility, and thermodynamic stability) indicates that this missense variant is not expected to disrupt DOK7 protein function with a negative predictive value of 80%. In summary, the available evidence is currently insufficient to determine the role of this variant in disease. Therefore, it has been classified as a Variant of Uncertain Significance.

Ambry Genetics
Classification: Uncertain significance for Inborn genetic diseases. Last evaluated: 2024-11-09. Review status: criteria provided, single submitter. Criteria: Ambry Variant Classification Scheme 2023. Collection method: clinical testing. Allele origin: germline.

Revvity Omics, Revvity
Classification: Uncertain significance. Last evaluated: 2019-05-23. Review status: criteria provided, single submitter. Criteria: ACMG Guidelines, 2015. Collection method: clinical testing. Allele origin: germline.

GeneDx
Classification: Uncertain significance. Last evaluated: 2019-04-02. Review status: criteria provided, single submitter. Criteria: GeneDx Variant Classification Process June 2021. Collection method: clinical testing. Allele origin: germline. Affected: yes.
Comment: Not observed at a significant frequency in large population cohorts (Lek et al., 2016); In silico analysis, which includes protein predictors and evolutionary conservation, supports a deleterious effect; Has not been previously published as pathogenic or benign to our knowledge